The following is an entry in ClinVar:

ClinVar aggregate classification (germline): Uncertain significance (1 of 4 stars; one submission).

Conditions:
Hereditary cancer-predisposing syndrome. Also called: Neoplastic Syndromes, Hereditary; Tumor predisposition; Hereditary Cancer Syndrome; Hereditary neoplastic syndrome. Identifiers: Orphanet 140162, MedGen C0027672, MeSH D009386, MONDO:0015356.

Submission:

Color Diagnostics, LLC DBA Color Health
Classification: Uncertain significance for Hereditary cancer-predisposing syndrome. Last evaluated: 2023-12-04. Review status: criteria provided, single submitter. Criteria: ACMG Guidelines, 2015. Collection method: clinical testing. Allele origin: germline.
Comment: This missense variant replaces aspartic acid with glutamic acid at codon 712 of the BARD1 protein. Computational prediction suggests that this variant may not impact protein structure and function (internally defined REVEL score threshold <= 0.5, PMID: 27666373). To our knowledge, functional studies have not been reported for this variant. This variant has not been reported in individuals affected with BARD1-related disorders in the literature. This variant has not been identified in the general population by the Genome Aggregation Database (gnomAD). The available evidence is insufficient to determine the role of this variant in disease conclusively. Therefore, this variant is classified as a Variant of Uncertain Significance.

NM_000465.4(BARD1):c.2136C>G (p.Asp712Glu)

Gene: BARD1 (BRCA1 associated RING domain 1; minus strand). Cytogenetic location: 2q35.
Variant type: single nucleotide variant.
Coding change: c.2136C>G on transcript NM_000465.4 (MANE Select); coding-DNA position 2136, C replaced by G.
Protein change: p.Asp712Glu; replaces aspartic acid 712 with glutamic acid.
Molecular consequence: missense variant. On other transcripts: non-coding transcript variant (3).
Genome position (GRCh38, 1-based): chr2:214,728,874, G>C on the plus strand (C>G on the coding strand, the complement: BARD1 is on the minus strand). VCF-style: chr2-214728874-G-C. GRCh37 (hg19) VCF-style: chr2-215593598-G-C.
Other names: c.2079C>G, p.Asp693Glu (NM_001282543.2); c.783C>G, p.Asp261Glu (NM_001282545.2); c.726C>G, p.Asp242Glu (NM_001282548.2); c.597C>G, p.Asp199Glu (NM_001282549.2); short protein forms D242E, D693E, D261E, D199E, D712E.
Identifiers: ClinVar variation 924154 (VCV000924154.4), dbSNP rs759046999, ClinGen allele CA350450519.
Genomic context (GRCh38, chr2:214,728,874, plus strand): 5'-GAAGCGCTGATCAGAATCGGGTCTCGCATGGTATGCGACTGTATTGATGGTCTGAGTCAC[G>C]TCACTGTCTGGCTTGGGCTTTCTACTGAGGATCTGGCCCCCACCTGCAGTGACGAGCTTA-3'
Protein context (NP_000456.2, residues 702-722): ILSRKPKPDS[Asp712Glu]VTQTINTVAY